The following is an entry in ClinVar:

NM_005664.4(MKRN3):c.276C>T (p.Ser92=)

Gene: MKRN3 (makorin ring finger protein 3; plus strand). Cytogenetic location: 15q11.2.
Variant type: single nucleotide variant.
Coding change: c.276C>T on transcript NM_005664.4 (MANE Select); coding-DNA position 276, C replaced by T.
Protein change: p.Ser92=; no amino-acid change (serine 92 retained).
Molecular consequence: synonymous variant.
Genome position (GRCh38, 1-based): chr15:23,566,058, C>T. VCF-style: chr15-23566058-C-T. GRCh37 (hg19) VCF-style: chr15-23811205-C-T.
Identifiers: ClinVar variation 738735 (VCV000738735.9), dbSNP rs146972191, ClinGen allele CA7429320.
Genomic context (GRCh38, chr15:23,566,058, plus strand): 5'-GAGGCCTGCCCCAGCCTCAGGAGGAGGAGCCTGGCCCAGTCCGTTGCCAAGCCGAAGCAG[C>T]GGCATTTGGACAAAGCAGATCATCTGCAGGTATTATATACATGGGCAGTGCAAGGAGGGG-3'
Protein context (NP_005655.1, residues 82-102): AWPSPLPSRS[Ser92=]GIWTKQIICR

ClinVar aggregate classification (germline): Benign/Likely benign. Review status: criteria provided, multiple submitters, no conflicts (2 of 4 stars). 3 submissions from 3 submitters: Benign (1); Likely benign (2). Last evaluated 2026-01-01.

Allele frequency attached by ClinVar (database versions not stated): 1000 Genomes Project 30x 0.00031; 1000 Genomes Project 0.00040; TOPMed 0.00046; ESP Exome Variant Server 0.00054; gnomAD 0.00054 and 0.00057.
gnomAD v4.1: 759 of 1,614,164 alleles (0.047%); highest among the groups gnomAD compares: Middle Eastern, 0.12%; 1 homozygote.

Submissions (3):

CeGaT Center for Human Genetics Tuebingen
Classification: Likely benign. Last evaluated: 2026-01-01. Review status: criteria provided, single submitter. Criteria: CeGaT Center For Human Genetics Tuebingen Variant Classification Criteria Version 2. Collection method: clinical testing. Allele origin: germline. Affected: yes. Observed: 1 variant allele.
Comment: MKRN3: BP4, BP7

Blueprint Genetics
Classification: Likely benign. Last evaluated: 2024-11-06. Review status: criteria provided, single submitter. Criteria: ACMG Guidelines, 2015. Collection method: clinical testing. Allele origin: germline.

Labcorp Genetics (formerly Invitae), Labcorp
Classification: Benign. Last evaluated: 2019-12-31. Review status: criteria provided, single submitter. Criteria: Invitae Variant Classification Sherloc (09022015). Collection method: clinical testing. Allele origin: germline.